The following is an entry in ClinVar:

NM_007294.4(BRCA1):c.1658A>C (p.His553Pro)

Gene: BRCA1 (BRCA1 DNA repair associated; minus strand). Cytogenetic location: 17q21.31.
Variant type: single nucleotide variant.
Coding change: c.1658A>C on transcript NM_007294.4 (MANE Select); coding-DNA position 1658, A replaced by C.
Protein change: p.His553Pro; replaces histidine 553 with proline.
Molecular consequence: missense variant. On other transcripts: intron variant (137).
Genome position (GRCh38, 1-based): chr17:43,093,873, T>G on the plus strand (A>C on the coding strand, the complement: BRCA1 is on the minus strand). VCF-style: chr17-43093873-T-G. GRCh37 (hg19) VCF-style: chr17-41245890-T-G.
Other names: c.1445A>C, p.His482Pro (NM_001407571.1, NM_001407853.1, NM_001407894.1 and 9 more transcripts); c.1658A>C, p.His553Pro (NM_001407581.1, NM_001407582.1, NM_001407583.1 and 30 more transcripts); c.1655A>C, p.His552Pro (NM_001407587.1, NM_001407590.1, NM_001407591.1 and 22 more transcripts); c.784+871A>C (NM_001408397.1, NM_001408401.1, NM_001408396.1 and 13 more transcripts); c.664+871A>C (NM_001408436.1, NM_001408444.1, NM_001408438.1 and 12 more transcripts); c.787+871A>C (NM_001407980.1, NM_001407993.1, NM_001407976.1 and 19 more transcripts); c.1649A>C, p.His550Pro (NM_001407646.1, NM_001407647.1); c.652+871A>C (NM_001408451.1); and 40 more; short protein forms H553P, H506P, H385P, H441P, H442P, H465P, H550P, H257P.
Identifiers: ClinVar variation 185399 (VCV000185399.8), dbSNP rs748431827, ClinGen allele CA001095.

ClinVar aggregate classification (germline): Conflicting classifications of pathogenicity. Review status: criteria provided, conflicting classifications (1 of 4 stars). 2 submissions from 2 submitters: Uncertain significance (1); Likely benign (1). Last evaluated 2023-03-23.

Conditions:
Hereditary cancer-predisposing syndrome. Also called: Hereditary neoplastic syndrome; Neoplastic Syndromes, Hereditary; Tumor predisposition; Hereditary Cancer Syndrome. Identifiers: Orphanet 140162, MedGen C0027672, MeSH D009386, MONDO:0015356.

Submissions (2):

University of Washington Department of Laboratory Medicine, University of Washington
Classification: Likely benign for Hereditary cancer-predisposing syndrome. Last evaluated: 2023-03-23. Review status: criteria provided, single submitter. Criteria: Dines et al. (Genet Med. 2020). Collection method: curation. Allele origin: germline.
Comment: Missense variant in a coldspot region where missense variants are very unlikely to be pathogenic (PMID:31911673).

BRCA1 coldspot (exon 11 using historical exon numbering). Reclassification based on statistical prior probability

Ambry Genetics
Classification: Uncertain significance for Hereditary cancer-predisposing syndrome. Last evaluated: 2021-05-27. Review status: criteria provided, single submitter. Criteria: Ambry Variant Classification Scheme 2023. Collection method: clinical testing. Allele origin: germline.
Comment: The p.H553P variant (also known as c.1658A>C), located in coding exon 9 of the BRCA1 gene, results from an A to C substitution at nucleotide position 1658. The histidine at codon 553 is replaced by proline, an amino acid with similar properties. This amino acid position is not well conserved in available vertebrate species. In addition, the in silico prediction for this alteration is inconclusive. Since supporting evidence is limited at this time, the clinical significance of this alteration remains unclear.